The following is an entry in ClinVar:

ClinVar aggregate classification (germline): Conflicting classifications of pathogenicity. Review status: criteria provided, conflicting classifications (1 of 4 stars). 2 submissions from 2 submitters: Uncertain significance (1); Likely benign (1). Last evaluated 2022-03-02.

Allele frequency attached by ClinVar (database versions not stated): TOPMed 0.00003; gnomAD 0.00004 and 0.00005; gnomAD exomes 0.00011; ExAC 0.00012.
gnomAD v4.1: 160 of 1,612,032 alleles (0.0099%); highest among the groups gnomAD compares: South Asian, 0.06%; 1 homozygote.

Submissions (2):

Labcorp Genetics (formerly Invitae), Labcorp
Classification: Uncertain significance. Last evaluated: 2022-03-02. Review status: criteria provided, single submitter. Criteria: Invitae Variant Classification Sherloc (09022015). Collection method: clinical testing. Allele origin: germline.
Comment: This sequence change replaces arginine, which is basic and polar, with glutamine, which is neutral and polar, at codon 648 of the PLOD2 protein (p.Arg648Gln). This variant is present in population databases (rs748652746, gnomAD 0.06%), including at least one homozygous and/or hemizygous individual. This variant has not been reported in the literature in individuals affected with PLOD2-related conditions. Algorithms developed to predict the effect of missense changes on protein structure and function are either unavailable or do not agree on the potential impact of this missense change (SIFT: "Tolerated"; PolyPhen-2: "Possibly Damaging"; Align-GVGD: "Class C0"). Algorithms developed to predict the effect of sequence changes on RNA splicing suggest that this variant may create or strengthen a splice site. In summary, the available evidence is currently insufficient to determine the role of this variant in disease. Therefore, it has been classified as a Variant of Uncertain Significance.

GeneDx
Classification: Likely benign. Last evaluated: 2020-06-03. Review status: criteria provided, single submitter. Criteria: GeneDx Variant Classification Process June 2021. Collection method: clinical testing. Allele origin: germline. Affected: yes.
Comment: See Variant Classification Assertion Criteria.

NM_182943.3(PLOD2):c.1943G>A (p.Arg648Gln)

Gene: PLOD2 (procollagen-lysine,2-oxoglutarate 5-dioxygenase 2; minus strand). Cytogenetic location: 3q24.
Variant type: single nucleotide variant.
Coding change: c.1943G>A on transcript NM_182943.3 (MANE Select); coding-DNA position 1943, G replaced by A.
Protein change: p.Arg648Gln; replaces arginine 648 with glutamine.
Molecular consequence: missense variant.
Genome position (GRCh38, 1-based): chr3:146,071,329, C>T on the plus strand (G>A on the coding strand, the complement: PLOD2 is on the minus strand). VCF-style: chr3-146071329-C-T. GRCh37 (hg19) VCF-style: chr3-145789116-C-T.
Other names: c.1880G>A, p.Arg627Gln (NM_000935.3); short protein forms R627Q, R648Q.
Identifiers: ClinVar variation 1376721 (VCV001376721.6), dbSNP rs748652746, ClinGen allele CA2654725.
Genomic context (GRCh38, chr3:146,071,329, plus strand): 5'-ATAACTACCTTCGTATAATAGCCTGCAAAGACCTTCAGTGTAACTGGTGCAATGAACTCC[C>T]GGATAAAATGAAGCCATACATTCTCCAGATCAACTTGCTTCATGTGGATATCATCAGTTG-3'
Protein context (NP_891988.1, residues 638-658): DLENVWLHFI[Arg648Gln]EFIAPVTLKV